The following is an entry in ClinVar:

ClinVar aggregate classification (germline): Uncertain significance. Review status: criteria provided, multiple submitters, no conflicts (2 of 4 stars). 2 submissions from 2 submitters: Uncertain significance (2). Last evaluated 2024-11-13.

Submissions (2):

Labcorp Genetics (formerly Invitae), Labcorp
Classification: Uncertain significance. Last evaluated: 2024-11-13. Review status: criteria provided, single submitter. Criteria: Invitae Variant Classification Sherloc (09022015). Collection method: clinical testing. Allele origin: germline.
Comment: This sequence change replaces alanine, which is neutral and non-polar, with proline, which is neutral and non-polar, at codon 272 of the SLC7A14 protein (p.Ala272Pro). This variant is present in population databases (rs774948709, gnomAD 0.0009%). This variant has not been reported in the literature in individuals affected with SLC7A14-related conditions. An algorithm developed to predict the effect of missense changes on protein structure and function (PolyPhen-2) suggests that this variant is likely to be disruptive. In summary, the available evidence is currently insufficient to determine the role of this variant in disease. Therefore, it has been classified as a Variant of Uncertain Significance.

Blueprint Genetics
Classification: Uncertain significance. Last evaluated: 2022-10-24. Review status: criteria provided, single submitter. Criteria: ACMG Guidelines, 2015. Collection method: clinical testing. Allele origin: germline.

NM_020949.3(SLC7A14):c.814G>C (p.Ala272Pro)

Genes: SLC7A14 (solute carrier family 7 member 14; minus strand), SLC7A14-AS1 (SLC7A14 antisense RNA 1; plus strand). Cytogenetic location: 3q26.2.
Variant type: single nucleotide variant.
Coding change: c.814G>C on transcript NM_020949.3 (MANE Select); coding-DNA position 814, G replaced by C.
Protein change: p.Ala272Pro; replaces alanine 272 with proline.
Molecular consequence: missense variant.
Genome position (GRCh38, 1-based): chr3:170,486,314, C>G on the plus strand (G>C on the coding strand, the complement: SLC7A14 is on the minus strand). VCF-style: chr3-170486314-C-G. GRCh37 (hg19) VCF-style: chr3-170204103-C-G.
Other names: short protein forms A272P.
Identifiers: ClinVar variation 3618003 (VCV003618003.3).
Genomic context (GRCh38, chr3:170,486,314, plus strand): 5'-AGGCAGTGATAGCATAAGGGATGGACGTGTTGGGATTCTTGGCTTCCTCTCCAGTGGTGG[C>G]GATGATGTCAAAGCCAATGAAAGCGTAGAAGCATGTTGCTGCTCCTTGCAGCACCTGTGT-3'
Protein context (NP_066000.2, residues 262-282): FYAFIGFDII[Ala272Pro]TTGEEAKNPN